The following is an entry in ClinVar:

ClinVar aggregate classification (germline): Uncertain significance (1 of 4 stars; one submission).

Conditions:
RASopathy. Also called: Noonan spectrum disorder; rasopathies. Identifiers: Orphanet 536391, MedGen C5555857, MONDO:0021060.

Submission:

Labcorp Genetics (formerly Invitae), Labcorp
Classification: Uncertain significance for RASopathy. Last evaluated: 2024-06-16. Review status: criteria provided, single submitter. Criteria: Invitae Variant Classification Sherloc (09022015). Collection method: clinical testing. Allele origin: germline.
Comment: This sequence change replaces tyrosine, which is neutral and polar, with histidine, which is basic and polar, at codon 197 of the PTPN11 protein (p.Tyr197His). This variant is not present in population databases (gnomAD no frequency). This variant has not been reported in the literature in individuals affected with PTPN11-related conditions. Advanced modeling of protein sequence and biophysical properties (such as structural, functional, and spatial information, amino acid conservation, physicochemical variation, residue mobility, and thermodynamic stability) performed at Invitae indicates that this missense variant is expected to disrupt PTPN11 protein function with a positive predictive value of 95%. In summary, the available evidence is currently insufficient to determine the role of this variant in disease. Therefore, it has been classified as a Variant of Uncertain Significance.

NM_002834.5(PTPN11):c.589T>C (p.Tyr197His)

Gene: PTPN11 (protein tyrosine phosphatase non-receptor type 11; plus strand). Cytogenetic location: 12q24.13.
Variant type: single nucleotide variant.
Coding change: c.589T>C on transcript NM_002834.5 (MANE Select); coding-DNA position 589, T replaced by C.
Protein change: p.Tyr197His; replaces tyrosine 197 with histidine.
Molecular consequence: missense variant.
Genome position (GRCh38, 1-based): chr12:112,454,627, T>C. VCF-style: chr12-112454627-T-C. GRCh37 (hg19) VCF-style: chr12-112892431-T-C.
Other names: c.589T>C, p.Tyr197His (NM_001330437.2, NM_080601.3); c.586T>C, p.Tyr196His (NM_001374625.1); short protein forms Y197H, Y196H.
Identifiers: ClinVar variation 3637663 (VCV003637663.2).